The following is an entry in ClinVar:

ClinVar aggregate classification (germline): Uncertain significance. Review status: criteria provided, multiple submitters, no conflicts (2 of 4 stars). 2 submissions from 2 submitters: Uncertain significance (2). Last evaluated 2025-05-31.

Conditions:
Familial meningioma. Also called: Meningioma, familial, susceptibility to. Identifiers: Orphanet 263662, MedGen C3551915, MONDO:0011789, OMIM 607174.
Hereditary cancer-predisposing syndrome. Also called: Hereditary Cancer Syndrome; Tumor predisposition; Hereditary neoplastic syndrome; Neoplastic Syndromes, Hereditary. Identifiers: Orphanet 140162, MedGen C0027672, MeSH D009386, MONDO:0015356.

Submissions (2):

Ambry Genetics
Classification: Uncertain significance for Hereditary cancer-predisposing syndrome. Last evaluated: 2025-05-31. Review status: criteria provided, single submitter. Criteria: Ambry Variant Classification Scheme 2023. Collection method: clinical testing. Allele origin: germline.
Comment: The p.S389W variant (also known as c.1166C>G), located in coding exon 10 of the SMARCE1 gene, results from a C to G substitution at nucleotide position 1166. The serine at codon 389 is replaced by tryptophan, an amino acid with highly dissimilar properties. This amino acid position is conserved. In addition, the in silico prediction for this alteration is inconclusive. Based on the available evidence, the clinical significance of this variant remains unclear.

Labcorp Genetics (formerly Invitae), Labcorp
Classification: Uncertain significance for Familial meningioma. Last evaluated: 2024-05-29. Review status: criteria provided, single submitter. Criteria: Invitae Variant Classification Sherloc (09022015). Collection method: clinical testing. Allele origin: germline.
Comment: This sequence change replaces serine, which is neutral and polar, with tryptophan, which is neutral and slightly polar, at codon 389 of the SMARCE1 protein (p.Ser389Trp). This variant is not present in population databases (gnomAD no frequency). This variant has not been reported in the literature in individuals affected with SMARCE1-related conditions. ClinVar contains an entry for this variant (Variation ID: 1043383). An algorithm developed to predict the effect of missense changes on protein structure and function (PolyPhen-2) suggests that this variant is likely to be disruptive. In summary, the available evidence is currently insufficient to determine the role of this variant in disease. Therefore, it has been classified as a Variant of Uncertain Significance.

NM_003079.5(SMARCE1):c.1166C>G (p.Ser389Trp)

Gene: SMARCE1 (SWI/SNF related BAF chromatin remodeling complex subunit E1; minus strand). Cytogenetic location: 17q21.2.
Variant type: single nucleotide variant.
Coding change: c.1166C>G on transcript NM_003079.5 (MANE Select); coding-DNA position 1166, C replaced by G.
Protein change: p.Ser389Trp; replaces serine 389 with tryptophan.
Molecular consequence: missense variant.
Genome position (GRCh38, 1-based): chr17:40,628,855, G>C on the plus strand (C>G on the coding strand, the complement: SMARCE1 is on the minus strand). VCF-style: chr17-40628855-G-C. GRCh37 (hg19) VCF-style: chr17-38785107-G-C.
Other names: c.1166C>G (NM_003079.4); short protein forms S389W.
Identifiers: ClinVar variation 1043383 (VCV001043383.9), dbSNP rs376181802, ClinGen allele CA399361055.